The following is an entry in ClinVar:

ClinVar aggregate classification (germline): Uncertain significance (1 of 4 stars; one submission).

Allele frequency attached by ClinVar (database versions not stated): gnomAD exomes below 0.00001; TOPMed below 0.00001; gnomAD 0.00001.
gnomAD v4.1: 3 of 1,614,050 alleles (0.00019%); highest among the groups gnomAD compares: Admixed American, 0.0017%; no homozygotes.

Submission:

Labcorp Genetics (formerly Invitae), Labcorp
Classification: Uncertain significance. Last evaluated: 2022-11-01. Review status: criteria provided, single submitter. Criteria: Invitae Variant Classification Sherloc (09022015). Collection method: clinical testing. Allele origin: germline.
Comment: In summary, the available evidence is currently insufficient to determine the role of this variant in disease. Therefore, it has been classified as a Variant of Uncertain Significance. Algorithms developed to predict the effect of missense changes on protein structure and function output the following: SIFT: "Tolerated"; PolyPhen-2: "Benign"; Align-GVGD: "Class C0". The alanine amino acid residue is found in multiple mammalian species, which suggests that this missense change does not adversely affect protein function. ClinVar contains an entry for this variant (Variation ID: 839118). This variant has not been reported in the literature in individuals affected with PCARE-related conditions. This variant is present in population databases (no rsID available, gnomAD 0.007%). This sequence change replaces serine, which is neutral and polar, with alanine, which is neutral and non-polar, at codon 237 of the PCARE protein (p.Ser237Ala).

NM_001029883.3(PCARE):c.709T>G (p.Ser237Ala)

Gene: PCARE (photoreceptor cilium actin regulator; minus strand). Cytogenetic location: 2p23.2.
Variant type: single nucleotide variant.
Coding change: c.709T>G on transcript NM_001029883.3 (MANE Select); coding-DNA position 709, T replaced by G.
Protein change: p.Ser237Ala; replaces serine 237 with alanine.
Molecular consequence: missense variant.
Genome position (GRCh38, 1-based): chr2:29,073,553, A>C on the plus strand (T>G on the coding strand, the complement: PCARE is on the minus strand). VCF-style: chr2-29073553-A-C. GRCh37 (hg19) VCF-style: chr2-29296419-A-C.
Other names: short protein forms S237A.
Identifiers: ClinVar variation 839118 (VCV000839118.11), dbSNP rs1472805468, ClinGen allele CA346481709.